The following is an entry in ClinVar:

ClinVar aggregate classification (germline): Uncertain significance (1 of 4 stars; one submission).

Submission:

Labcorp Genetics (formerly Invitae), Labcorp
Classification: Uncertain significance. Last evaluated: 2023-09-06. Review status: criteria provided, single submitter. Criteria: Invitae Variant Classification Sherloc (09022015). Collection method: clinical testing. Allele origin: germline.
Comment: In summary, the available evidence is currently insufficient to determine the role of this variant in disease. Therefore, it has been classified as a Variant of Uncertain Significance. Advanced modeling of protein sequence and biophysical properties (such as structural, functional, and spatial information, amino acid conservation, physicochemical variation, residue mobility, and thermodynamic stability) performed at Invitae indicates that this missense variant is expected to disrupt LRP5 protein function. This variant has not been reported in the literature in individuals affected with LRP5-related conditions. This variant is not present in population databases (gnomAD no frequency). This sequence change replaces glycine, which is neutral and non-polar, with alanine, which is neutral and non-polar, at codon 749 of the LRP5 protein (p.Gly749Ala).

NM_002335.4(LRP5):c.2246G>C (p.Gly749Ala)

Gene: LRP5 (LDL receptor related protein 5; plus strand). Cytogenetic location: 11q13.2.
Variant type: single nucleotide variant.
Coding change: c.2246G>C on transcript NM_002335.4 (MANE Select); coding-DNA position 2246, G replaced by C.
Protein change: p.Gly749Ala; replaces glycine 749 with alanine.
Molecular consequence: missense variant.
Genome position (GRCh38, 1-based): chr11:68,410,068, G>C. VCF-style: chr11-68410068-G-C. GRCh37 (hg19) VCF-style: chr11-68177536-G-C.
Other names: c.503G>C, p.Gly168Ala (NM_001291902.2); short protein forms G168A, G749A.
Identifiers: ClinVar variation 2754928 (VCV002754928.3), dbSNP rs2496740545, ClinGen allele CA381616589.